The following is an entry in ClinVar:

ClinVar aggregate classification (germline): Uncertain significance. Review status: criteria provided, multiple submitters, no conflicts (2 of 4 stars). 2 submissions from 2 submitters: Uncertain significance (2). Last evaluated 2025-10-27.

Allele frequency attached by ClinVar (database versions not stated): gnomAD exomes below 0.00001.
gnomAD v4.1: 3 of 1,611,976 alleles (0.00019%); highest among the groups gnomAD compares: South Asian, 0.0022%; no homozygotes.

Submissions (2):

Labcorp Genetics (formerly Invitae), Labcorp
Classification: Uncertain significance. Last evaluated: 2025-10-27. Review status: criteria provided, single submitter. Criteria: Invitae Variant Classification Sherloc (09022015). Collection method: clinical testing. Allele origin: germline.
Comment: This sequence change replaces asparagine, which is neutral and polar, with serine, which is neutral and polar, at codon 556 of the RINT1 protein (p.Asn556Ser). This variant is not present in population databases (gnomAD no frequency). This variant has not been reported in the literature in individuals affected with RINT1-related conditions. ClinVar contains an entry for this variant (Variation ID: 1777586). An algorithm developed to predict the effect of missense changes on protein structure and function (PolyPhen-2) suggests that this variant is likely to be disruptive. In summary, the available evidence is currently insufficient to determine the role of this variant in disease. Therefore, it has been classified as a Variant of Uncertain Significance.

Ambry Genetics
Classification: Uncertain significance. Last evaluated: 2025-01-31. Review status: criteria provided, single submitter. Criteria: Ambry Variant Classification Scheme 2023. Collection method: clinical testing. Allele origin: germline.
Comment: The p.N556S variant (also known as c.1667A>G), located in coding exon 11 of the RINT1 gene, results from an A to G substitution at nucleotide position 1667. The asparagine at codon 556 is replaced by serine, an amino acid with highly similar properties. This amino acid position is conserved. In addition, this alteration is predicted to be tolerated by in silico analysis. Since supporting evidence is limited at this time, the clinical significance of this alteration remains unclear.

NM_021930.6(RINT1):c.1667A>G (p.Asn556Ser)

Gene: RINT1 (RAD50 interactor 1; plus strand). Cytogenetic location: 7q22.3.
Variant type: single nucleotide variant.
Coding change: c.1667A>G on transcript NM_021930.6 (MANE Select); coding-DNA position 1667, A replaced by G.
Protein change: p.Asn556Ser; replaces asparagine 556 with serine.
Molecular consequence: missense variant.
Genome position (GRCh38, 1-based): chr7:105,555,223, A>G. VCF-style: chr7-105555223-A-G. GRCh37 (hg19) VCF-style: chr7-105195670-A-G.
Other names: c.1433A>G, p.Asn478Ser (NM_001346599.2); c.644A>G, p.Asn215Ser (NM_001346600.2, NM_001346603.2); c.743A>G, p.Asn248Ser (NM_001346601.2); short protein forms N248S, N478S, N556S, N215S.
Identifiers: ClinVar variation 1777586 (VCV001777586.8), dbSNP rs2485150455, ClinGen allele CA368812048.